The following is an entry in ClinVar:

NM_020461.4(TUBGCP6):c.2980G>A (p.Ala994Thr)

Gene: TUBGCP6 (tubulin gamma complex component 6; minus strand). Cytogenetic location: 22q13.33.
Variant type: single nucleotide variant.
Coding change: c.2980G>A on transcript NM_020461.4 (MANE Select); coding-DNA position 2980, G replaced by A.
Protein change: p.Ala994Thr; replaces alanine 994 with threonine.
Molecular consequence: missense variant.
Genome position (GRCh38, 1-based): chr22:50,221,379, C>T on the plus strand (G>A on the coding strand, the complement: TUBGCP6 is on the minus strand). VCF-style: chr22-50221379-C-T. GRCh37 (hg19) VCF-style: chr22-50659808-C-T.
Other names: short protein forms A994T.
Identifiers: ClinVar variation 1356694 (VCV001356694.8), dbSNP rs2147179776, ClinGen allele CA412185640.

ClinVar aggregate classification (germline): Uncertain significance (1 of 4 stars; one submission).

Submission:

Labcorp Genetics (formerly Invitae), Labcorp
Classification: Uncertain significance. Last evaluated: 2021-05-27. Review status: criteria provided, single submitter. Criteria: Invitae Variant Classification Sherloc (09022015). Collection method: clinical testing. Allele origin: germline.
Comment: In summary, the available evidence is currently insufficient to determine the role of this variant in disease. Therefore, it has been classified as a Variant of Uncertain Significance. Algorithms developed to predict the effect of missense changes on protein structure and function output the following: SIFT: "Deleterious"; PolyPhen-2: "Benign"; Align-GVGD: "Class C0". The threonine amino acid residue is found in multiple mammalian species, suggesting that this missense change does not adversely affect protein function. These predictions have not been confirmed by published functional studies and their clinical significance is uncertain. This variant has not been reported in the literature in individuals with TUBGCP6-related conditions. This variant is not present in population databases (ExAC no frequency). This sequence change replaces alanine with threonine at codon 994 of the TUBGCP6 protein (p.Ala994Thr). The alanine residue is weakly conserved and there is a small physicochemical difference between alanine and threonine.